The following is an entry in ClinVar:

NM_000548.5(TSC2):c.1840-2A>C

Gene: TSC2 (TSC complex subunit 2; plus strand). Cytogenetic location: 16p13.3.
Variant type: single nucleotide variant.
Coding change: c.1840-2A>C on transcript NM_000548.5 (MANE Select); the canonical splice acceptor site of the intron before coding-DNA position 1840, A replaced by C.
Molecular consequence: splice acceptor variant.
Genome position (GRCh38, 1-based): chr16:2,071,508, A>C. VCF-style: chr16-2071508-A-C. GRCh37 (hg19) VCF-style: chr16-2121509-A-C.
Other names: c.496-2A>C (NM_001406693.1, NM_001406689.1, NM_001406690.1 and 6 more transcripts); c.1930-2A>C (NM_001406667.1, NM_001406668.1); c.1240-2A>C (NM_001406680.1, NM_001406683.1, NM_001406687.1 and 6 more transcripts); c.238-2A>C (NM_001406698.1); c.1840-2A>C (NM_001114382.3, NM_001406663.1, NM_001406664.1 and 6 more transcripts); c.1828-2A>C (NM_001406671.1, NM_001406673.1); c.1378-2A>C (NM_001406681.1); c.1729-2A>C (NM_001406670.1, NM_001318827.2, NM_001406678.1); and 3 more.
Identifiers: ClinVar variation 995052 (VCV000995052.1), dbSNP rs45517205, ClinGen allele CA394273026.
Genomic context (GRCh38, chr16:2,071,508, plus strand): 5'-ACGCCGCCTGTCCTGGGCCTGCACGAGCTTGGCTCTGGCTTTCACCATCCTCTTCCTGAC[A>C]GGCCTTTGACTTCCTGTTGCTGCTGCGGGCCGACTCACTGCACCGCCTGGGCCTGCCCAA-3'

ClinVar aggregate classification (germline): Likely pathogenic (1 of 4 stars; one submission).

Submission:

Athena Diagnostics
Classification: Likely pathogenic. Last evaluated: 2020-03-09. Review status: criteria provided, single submitter. Criteria: Athena Diagnostics Criteria. Collection method: clinical testing. Allele origin: unknown.
Comment: The variant disrupts a canonical splice site, and is therefore predicted to result in the loss of a functional protein. Not found in the total gnomAD dataset, and the data is high quality.